The following is an entry in ClinVar:

ClinVar aggregate classification (germline): Uncertain significance (1 of 4 stars; one submission).

Conditions:
Tuberous sclerosis 2 (TSC2). Identifiers: Orphanet 805, MedGen C1860707, MONDO:0013199, OMIM 613254.

Submission:

Labcorp Genetics (formerly Invitae), Labcorp
Classification: Uncertain significance for Tuberous sclerosis 2. Last evaluated: 2025-01-15. Review status: criteria provided, single submitter. Criteria: Invitae Variant Classification Sherloc (09022015). Collection method: clinical testing. Allele origin: germline.
Comment: This variant, c.5399_5401del, results in the deletion of 1 amino acid(s) of the TSC2 protein (p.Val1800del), but otherwise preserves the integrity of the reading frame. This variant is not present in population databases (gnomAD no frequency). This variant has not been reported in the literature in individuals affected with TSC2-related conditions. ClinVar contains an entry for this variant (Variation ID: 2705985). Experimental studies and prediction algorithms are not available or were not evaluated, and the functional significance of this variant is currently unknown. In summary, the available evidence is currently insufficient to determine the role of this variant in disease. Therefore, it has been classified as a Variant of Uncertain Significance.

NM_000548.5(TSC2):c.5399_5401del (p.Val1800del)

Gene: TSC2 (TSC complex subunit 2; plus strand). Cytogenetic location: 16p13.3.
Variant type: Deletion.
Coding change: c.5399_5401del on transcript NM_000548.5 (MANE Select); coding-DNA positions 5399 to 5401, 3 bases deleted (TGG; older notation c.5399_5401delTGG).
Protein change: p.Val1800del; deletes valine 1800.
Molecular consequence: inframe deletion. On other transcripts: non-coding transcript variant (5).
Genome position (GRCh38, 1-based): chr16:2,088,585-2,088,587, TGG deleted; deleting any 3 consecutive bases within chr16:2,088,583-2,088,587 gives the same sequence; the c. name uses the placement nearest the transcript's 3' end. VCF-style (leftmost placement, unchanged base first): chr16-2088582-CGGT-C. GRCh37 (hg19) VCF-style: chr16-2138583-CGGT-C.
Other names: c.4799_4801del, p.Val1600del (NM_001406680.1); c.4739_4741del, p.Val1580del (NM_001406681.1); c.4730_4732del, p.Val1577del (NM_001406682.1, NM_001406683.1); c.4727_4729del, p.Val1576del (NM_001406684.1); c.4601_4603del, p.Val1534del (NM_001406685.1, NM_001406686.1); c.4598_4600del, p.Val1533del (NM_001406687.1, NM_001406688.1); c.3986_3988del, p.Val1329del (NM_001406689.1); c.5198_5200del, p.Val1733del (NM_001077183.3); and 27 more; short protein forms V1286del, V1534del, V1697del, V1729del, V1763del, V1799del, V1308del, V1309del.
Identifiers: ClinVar variation 2705985 (VCV002705985.3), dbSNP rs2544520242, ClinGen allele CA2697549446.